The following is an entry in ClinVar:

NM_001853.4(COL9A3):c.1519C>A (p.Pro507Thr)

Genes: COL9A3 (collagen type IX alpha 3 chain; plus strand), LOC126863084 (MED14-independent group 3 enhancer GRCh37_chr20:61467141-61468340; plus strand). Cytogenetic location: 20q13.33.
Variant type: single nucleotide variant.
Coding change: c.1519C>A on transcript NM_001853.4 (MANE Select); coding-DNA position 1519, C replaced by A.
Protein change: p.Pro507Thr; replaces proline 507 with threonine.
Molecular consequence: missense variant.
Genome position (GRCh38, 1-based): chr20:62,836,304, C>A. VCF-style: chr20-62836304-C-A. GRCh37 (hg19) VCF-style: chr20-61467656-C-A.
Other names: short protein forms P507T.
Identifiers: ClinVar variation 3669136 (VCV003669136.3).

ClinVar aggregate classification (germline): Uncertain significance. Review status: criteria provided, multiple submitters, no conflicts (2 of 4 stars). 2 submissions from 2 submitters: Uncertain significance (2). Last evaluated 2026-01-12.

gnomAD v4.1: 1 of 1,613,860 alleles (0.000062%); no homozygotes.

Submissions (2):

Labcorp Genetics (formerly Invitae), Labcorp
Classification: Uncertain significance. Last evaluated: 2026-01-12. Review status: criteria provided, single submitter. Criteria: Invitae Variant Classification Sherloc (09022015). Collection method: clinical testing. Allele origin: germline.
Comment: This sequence change replaces proline, which is neutral and non-polar, with threonine, which is neutral and polar, at codon 507 of the COL9A3 protein (p.Pro507Thr). This variant is not present in population databases (gnomAD no frequency). This variant has not been reported in the literature in individuals affected with COL9A3-related conditions. ClinVar contains an entry for this variant (Variation ID: 3669136). Invitae Evidence Modeling of protein sequence and biophysical properties (such as structural, functional, and spatial information, amino acid conservation, physicochemical variation, residue mobility, and thermodynamic stability) indicates that this missense variant is not expected to disrupt COL9A3 protein function with a negative predictive value of 95%. In summary, the available evidence is currently insufficient to determine the role of this variant in disease. Therefore, it has been classified as a Variant of Uncertain Significance.

Blueprint Genetics
Classification: Uncertain significance. Last evaluated: 2021-10-18. Review status: criteria provided, single submitter. Criteria: ACMG Guidelines, 2015. Collection method: clinical testing. Allele origin: germline.